The following is an entry in ClinVar:

ClinVar aggregate classification (germline): Conflicting classifications of pathogenicity. Review status: criteria provided, conflicting classifications (1 of 4 stars). 5 submissions from 5 submitters: Uncertain significance (3); Likely benign (1). 1 of the submissions does not count toward it. Last evaluated 2026-06-01.

Conditions:
PCDH19-related disorder. Also called: PCDH19-related condition.
Developmental and epileptic encephalopathy, 9 (DEE9). Also called: EPILEPSY, FEMALE-RESTRICTED, WITH MENTAL RETARDATION; Early infantile epileptic encephalopathy 9; PCDH19-Related X-Linked Female-Limited Epilepsy with Mental Retardation; JUBERG-HELLMAN SYNDROME. Identifiers: Orphanet 101039, Orphanet 2076, MedGen C1848137, MONDO:0010246, OMIM 300088. Disease mechanism: loss of function.

Allele frequency attached by ClinVar (database versions not stated): gnomAD 0.00001 and 0.00002; ExAC 0.00003; TOPMed 0.00003; gnomAD exomes 0.00006 and 0.00008.
gnomAD v4.1: 83 of 1,210,449 alleles (0.0069%); highest among the groups gnomAD compares: Non-Finnish European, 0.0089%; no homozygotes.

Submissions (5):

CeGaT Center for Human Genetics Tuebingen
Classification: Likely benign. Last evaluated: 2026-06-01. Review status: criteria provided, single submitter. Criteria: CeGaT Center For Human Genetics Tuebingen Variant Classification Criteria Version 2. Collection method: clinical testing. Allele origin: germline. Affected: yes. Observed: 1 variant allele.
Comment: PCDH19: BS2

Labcorp Genetics (formerly Invitae), Labcorp
Classification: Uncertain significance for Developmental and epileptic encephalopathy, 9. Last evaluated: 2025-08-28. Review status: criteria provided, single submitter. Criteria: Invitae Variant Classification Sherloc (09022015). Collection method: clinical testing. Allele origin: germline.
Comment: This sequence change replaces valine, which is neutral and non-polar, with methionine, which is neutral and non-polar, at codon 493 of the PCDH19 protein (p.Val493Met). This variant is present in population databases (rs773087045, gnomAD 0.01%). This variant has not been reported in the literature in individuals affected with PCDH19-related conditions. ClinVar contains an entry for this variant (Variation ID: 423936). Invitae Evidence Modeling of protein sequence and biophysical properties (such as structural, functional, and spatial information, amino acid conservation, physicochemical variation, residue mobility, and thermodynamic stability) indicates that this missense variant is not expected to disrupt PCDH19 protein function with a negative predictive value of 95%. In summary, the available evidence is currently insufficient to determine the role of this variant in disease. Therefore, it has been classified as a Variant of Uncertain Significance.

GeneDx
Classification: Uncertain significance. Last evaluated: 2020-06-09. Review status: criteria provided, single submitter. Criteria: GeneDx Variant Classification Process June 2021. Collection method: clinical testing. Allele origin: germline. Affected: yes.
Comment: Missense variants in this gene are often considered pathogenic (Stenson et al., 2014); In silico analysis supports that this missense variant does not alter protein structure/function; Has not been previously published as pathogenic or benign to our knowledge

Center for Human Genetics, Inc
Classification: Uncertain significance for Developmental and epileptic encephalopathy, 9. Last evaluated: 2016-11-01. Review status: criteria provided, single submitter. Criteria: ACMG Guidelines, 2015. Collection method: clinical testing. Allele origin: germline. Affected: yes.

PreventionGenetics, part of Exact Sciences
Classification: Likely benign for PCDH19-related condition. Last evaluated: 2022-12-01. Review status: no assertion criteria provided. Collection method: clinical testing. Allele origin: germline. Not counted in ClinVar's aggregate classification.
Comment: This variant is classified as likely benign based on ACMG/AMP sequence variant interpretation guidelines (Richards et al. 2015 PMID: 25741868, with internal and published modifications).

NM_001184880.2(PCDH19):c.1477G>A (p.Val493Met)

Gene: PCDH19 (protocadherin 19; minus strand). Cytogenetic location: Xq22.1.
Variant type: single nucleotide variant.
Coding change: c.1477G>A on transcript NM_001184880.2 (MANE Select); coding-DNA position 1477, G replaced by A.
Protein change: p.Val493Met; replaces valine 493 with methionine.
Molecular consequence: missense variant.
Genome position (GRCh38, 1-based): chrX:100,407,121, C>T on the plus strand (G>A on the coding strand, the complement: PCDH19 is on the minus strand). VCF-style: chrX-100407121-C-T. GRCh37 (hg19) VCF-style: chrX-99662119-C-T.
Other names: c.1477G>A, p.Val493Met (NM_001105243.2, NM_020766.3); short protein forms V493M.
Identifiers: ClinVar variation 423936 (VCV000423936.17), dbSNP rs773087045, ClinGen allele CA10468878.